The following is an entry in ClinVar:

ClinVar aggregate classification (germline): Uncertain significance. Review status: criteria provided, multiple submitters, no conflicts (2 of 4 stars). 3 submissions from 3 submitters: Uncertain significance (3). Last evaluated 2025-06-11.

Conditions:
Inborn genetic diseases. Identifiers: MedGen C0950123, MeSH D030342.

Allele frequency attached by ClinVar (database versions not stated): ExAC 0.00001.
gnomAD v4.1: 2 of 1,613,080 alleles (0.00012%); highest among the groups gnomAD compares: East Asian, 0.0022%; no homozygotes.

Submissions (3):

Ambry Genetics
Classification: Uncertain significance for Inborn genetic diseases. Last evaluated: 2025-06-11. Review status: criteria provided, single submitter. Criteria: Ambry Variant Classification Scheme 2023. Collection method: clinical testing. Allele origin: germline.

Labcorp Genetics (formerly Invitae), Labcorp
Classification: Uncertain significance. Last evaluated: 2024-01-11. Review status: criteria provided, single submitter. Criteria: Invitae Variant Classification Sherloc (09022015). Collection method: clinical testing. Allele origin: germline.
Comment: This sequence change replaces asparagine, which is neutral and polar, with threonine, which is neutral and polar, at codon 784 of the POLR3B protein (p.Asn784Thr). This variant is present in population databases (rs766728879, gnomAD 0.01%). This variant has not been reported in the literature in individuals affected with POLR3B-related conditions. Advanced modeling of protein sequence and biophysical properties (such as structural, functional, and spatial information, amino acid conservation, physicochemical variation, residue mobility, and thermodynamic stability) has been performed at Invitae for this missense variant, however the output from this modeling did not meet the statistical confidence thresholds required to predict the impact of this variant on POLR3B protein function. In summary, the available evidence is currently insufficient to determine the role of this variant in disease. Therefore, it has been classified as a Variant of Uncertain Significance.

Blueprint Genetics
Classification: Uncertain significance. Last evaluated: 2021-12-20. Review status: criteria provided, single submitter. Criteria: ACMG Guidelines, 2015. Collection method: clinical testing. Allele origin: germline.

NM_018082.6(POLR3B):c.2351A>C (p.Asn784Thr)

Gene: POLR3B (RNA polymerase III subunit B; plus strand). Cytogenetic location: 12q23.3.
Variant type: single nucleotide variant.
Coding change: c.2351A>C on transcript NM_018082.6 (MANE Select); coding-DNA position 2351, A replaced by C.
Protein change: p.Asn784Thr; replaces asparagine 784 with threonine.
Molecular consequence: missense variant.
Genome position (GRCh38, 1-based): chr12:106,457,195, A>C. VCF-style: chr12-106457195-A-C. GRCh37 (hg19) VCF-style: chr12-106850973-A-C.
Other names: c.2177A>C, p.Asn726Thr (NM_001160708.2); c.2351A>C (NM_018082.5); short protein forms N784T, N726T.
Identifiers: ClinVar variation 2993995 (VCV002993995.5), dbSNP rs766728879, ClinGen allele CA6762172.